The following is an entry in ClinVar:

ClinVar aggregate classification (germline): Uncertain significance (1 of 4 stars; one submission).

Conditions:
PHGDH deficiency. Identifiers: Orphanet 79351, MedGen C1866174, MONDO:0011152, OMIM 601815.

Submission:

Labcorp Genetics (formerly Invitae), Labcorp
Classification: Uncertain significance for PHGDH deficiency. Last evaluated: 2022-10-10. Review status: criteria provided, single submitter. Criteria: Invitae Variant Classification Sherloc (09022015). Collection method: clinical testing. Allele origin: germline.
Comment: This variant is a gross deletion of the genomic region encompassing exon(s) 6-7 of the PHGDH gene. This variant would be expected to be in-frame, preserving the integrity of the reading frame. This variant has not been reported in the literature in individuals affected with PHGDH-related conditions. Experimental studies and prediction algorithms are not available or were not evaluated, and the functional significance of this variant is currently unknown. In summary, the available evidence is currently insufficient to determine the role of this variant in disease. Therefore, it has been classified as a Variant of Uncertain Significance.

NC_000001.10:g.(?_120277237)_(120278086_?)del

Gene: PHGDH (phosphoglycerate dehydrogenase; plus strand). Cytogenetic location: 1p12.
Variant type: Deletion.
Identifiers: ClinVar variation 2425622 (VCV002425622.3).